The following is an entry in ClinVar:

NM_001184.4(ATR):c.5537G>T (p.Arg1846Leu)

Gene: ATR (ATR serine/threonine kinase; minus strand). Cytogenetic location: 3q23.
Variant type: single nucleotide variant.
Coding change: c.5537G>T on transcript NM_001184.4 (MANE Select); coding-DNA position 5537, G replaced by T.
Protein change: p.Arg1846Leu; replaces arginine 1846 with leucine.
Molecular consequence: missense variant.
Genome position (GRCh38, 1-based): chr3:142,498,618, C>A on the plus strand (G>T on the coding strand, the complement: ATR is on the minus strand). VCF-style: chr3-142498618-C-A. GRCh37 (hg19) VCF-style: chr3-142217460-C-A.
Other names: c.5345G>T, p.Arg1782Leu (NM_001354579.2); short protein forms R1782L, R1846L.
Identifiers: ClinVar variation 3462671 (VCV003462671.1).

ClinVar aggregate classification (germline): Uncertain significance (1 of 4 stars; one submission).

Conditions:
Inborn genetic diseases. Identifiers: MedGen C0950123, MeSH D030342.

Submission:

Ambry Genetics
Classification: Uncertain significance for Inborn genetic diseases. Last evaluated: 2024-09-13. Review status: criteria provided, single submitter. Criteria: Ambry Variant Classification Scheme 2023. Collection method: clinical testing. Allele origin: germline.
Comment: The p.R1846L variant (also known as c.5537G>T), located in coding exon 32 of the ATR gene, results from a G to T substitution at nucleotide position 5537. The arginine at codon 1846 is replaced by leucine, an amino acid with dissimilar properties. This amino acid position is conserved. In addition, this alteration is predicted to be deleterious by in silico analysis. Based on the available evidence, the clinical significance of this variant remains unclear.